The following is an entry in ClinVar:

ClinVar aggregate classification (germline): Pathogenic (1 of 4 stars; one submission).

Conditions:
Multiple sulfatase deficiency (MSD). Also called: Mucosulfatidosis; Multiple Sulfatase Deficiency Disease; Sulfatidosis, Juvenile, Austin Type. Identifiers: Orphanet 585, MedGen C0268263, MONDO:0010088, OMIM 272200.

Submission:

Myriad Genetics, Inc.
Classification: Pathogenic for Multiple sulfatase deficiency. Last evaluated: 2024-05-14. Review status: criteria provided, single submitter. Criteria: Myriad Autosomal Dominant, Autosomal Recessive and X-Linked Classification Criteria (2023). Collection method: clinical testing. Allele origin: unknown.
Comment: NM_182760.3(SUMF1):c.156delC(C52Wfs*57) is expected to be pathogenic in the context of multiple sulfatase deficiency. This variant is predicted to lead to an abnormal or absent protein product due to the creation of a premature termination codon in SUMF1, a gene where loss-of-function variants are known to be pathogenic. Please note: this variant was assessed in the context of healthy population screening.

NM_182760.4(SUMF1):c.156del (p.Cys52fs)

Genes: SUMF1 (sulfatase modifying factor 1; minus strand), LOC129936056 (ATAC-STARR-seq lymphoblastoid silent region 14016; plus strand). Cytogenetic location: 3p26.1.
Variant type: Deletion.
Coding change: c.156del on transcript NM_182760.4 (MANE Select); coding-DNA position 156, one base deleted (C; older notation c.156delC).
Protein change: p.Cys52fs; shifts the reading frame from cysteine 52.
Molecular consequence: frameshift variant.
Genome position (GRCh38, 1-based): chr3:4,467,090, G deleted on the plus strand (C on the coding strand, the reverse complement: SUMF1 is on the minus strand). VCF-style (leftmost placement, unchanged base first): chr3-4467089-CG-C. GRCh37 (hg19) VCF-style: chr3-4508773-CG-C.
Other names: c.156del, p.Cys52fs (NM_001164674.2, NM_001164675.2); short protein forms C52fs.
Identifiers: ClinVar variation 5012182 (VCV005012182.1).